The following is an entry in ClinVar:

NM_001148.6(ANK2):c.9539_9545delinsTGGATGATGAG (p.Asp3180fs)

Gene: ANK2 (ankyrin 2; plus strand). Cytogenetic location: 4q26.
Variant type: Indel.
Coding change: c.9539_9545delinsTGGATGATGAG on transcript NM_001148.6 (MANE Select); coding-DNA positions 9539 to 9545, ACTTACT replaced by TGGATGATGAG.
Protein change: p.Asp3180fs; shifts the reading frame from aspartic acid 3180.
Molecular consequence: frameshift variant. On other transcripts: intron variant (68).
Genome position (GRCh38, 1-based): chr4:113,358,157-113,358,163, ACTTACT replaced by TGGATGATGAG. VCF-style: chr4-113358157-ACTTACT-TGGATGATGAG. GRCh37 (hg19) VCF-style: chr4-114279313-ACTTACT-TGGATGATGAG.
Other names: c.9305_9311delinsTGGATGATGAG, p.Asp3102fs (NM_001386142.1); c.5939_5945delinsTGGATGATGAG, p.Asp1980fs (NM_001386166.1); c.9680_9686delinsTGGATGATGAG, p.Asp3227fs (NM_001386174.1); c.9656_9662delinsTGGATGATGAG, p.Asp3219fs (NM_001386175.1); c.4412-2666_4412-2660delinsTGGATGATGAG (NM_001386186.2, NM_001386148.2); c.4214-2666_4214-2660delinsTGGATGATGAG (NM_001354269.3); c.4292-2666_4292-2660delinsTGGATGATGAG (NM_001386187.2); c.4253-2666_4253-2660delinsTGGATGATGAG (NM_001386147.1); and 35 more; short protein forms D1980fs, D3102fs, D3180fs, D3219fs, D3227fs.
Identifiers: ClinVar variation 3376714 (VCV003376714.1).

ClinVar aggregate classification (germline): Pathogenic (1 of 4 stars; one submission).

Conditions:
Neurodevelopmental disorder. Identifiers: MedGen C1535926, MeSH D065886, MONDO:0700092.

Submission:

Victorian Clinical Genetics Services, Murdoch Childrens Research Institute
Classification: Pathogenic for Neurodevelopmental disorder. Last evaluated: 2023-07-17. Review status: criteria provided, single submitter. Criteria: ACMG Guidelines, 2015. Collection method: clinical testing. Allele origin: germline. Inheritance: Autosomal dominant inheritance. Affected: yes.
Comment: Based on the classification scheme VCGS_Germline_v1.3.4, this variant is classified as Pathogenic. Following criteria are met: 0102 - Loss of function is a known mechanism of disease in this gene and is associated with neurodevelopmental disorder (MONDO:0700092), ANK2-related. (I) 0107 - This gene is associated with autosomal dominant disease. (I) 0201 - Variant is predicted to cause nonsense-mediated decay (NMD) and loss of protein (premature termination codon is located at least 54 nucleotides upstream of the final exon-exon junction). (SP) 0219 - This variant is non-coding in an alternative transcript. This variant is coding in the ClinVar predominant transcript, but is non-coding in the majority of transcripts (UCSC). However, this transcript is still expressed (GTex), and described as brain-specific (PMID: 18790697). (I) 0251 - This variant is heterozygous. (I) 0301 - Variant is absent from gnomAD (both v2 and v3). (SP) 0701 - Other variants comparable to the one identified in this case have very strong previous evidence for pathogenicity. These variants have been reported as variants of uncertain significance with limited clinical information, or as pathogenic, and observed in individuals with neurodevelopmental disorders and autism. Several of these variants have been observed in the same exon as this variant (ClinVar, PMID: 28191889, PMID: 33087701). (SP) 0807 - This variant has no previous evidence of pathogenicity. (I) 0905 - No published segregation evidence has been identified for this variant. (I) 1007 - No published functional evidence has been identified for this variant. (I) Legend: (SP) - Supporting pathogenic, (I) - Information, (SB) - Supporting benign

Literature cited by the submitters: PubMed 18790697; PubMed 28191889; PubMed 33087701.